The following is an entry in ClinVar:

NM_006509.4(RELB):c.769A>G (p.Asn257Asp)

Gene: RELB (RELB proto-oncogene, NF-kB subunit; plus strand). Cytogenetic location: 19q13.32.
Variant type: single nucleotide variant.
Coding change: c.769A>G on transcript NM_006509.4 (MANE Select); coding-DNA position 769, A replaced by G.
Protein change: p.Asn257Asp; replaces asparagine 257 with aspartic acid.
Molecular consequence: missense variant.
Genome position (GRCh38, 1-based): chr19:45,025,620, A>G. VCF-style: chr19-45025620-A-G. GRCh37 (hg19) VCF-style: chr19-45528878-A-G.
Other names: short protein forms N257D.
Identifiers: ClinVar variation 1475345 (VCV001475345.6), dbSNP rs199556208, ClinGen allele CA9507656.

ClinVar aggregate classification (germline): Uncertain significance (1 of 4 stars; one submission).

Allele frequency attached by ClinVar (database versions not stated): gnomAD exomes below 0.00001 and 0.00001; TOPMed 0.00001; ExAC 0.00002; gnomAD 0.00003; ESP Exome Variant Server 0.00008; 1000 Genomes Project 30x 0.00016; 1000 Genomes Project 0.00020.

Submission:

Labcorp Genetics (formerly Invitae), Labcorp
Classification: Uncertain significance. Last evaluated: 2024-03-16. Review status: criteria provided, single submitter. Criteria: Invitae Variant Classification Sherloc (09022015). Collection method: clinical testing. Allele origin: germline.
Comment: This sequence change replaces asparagine, which is neutral and polar, with aspartic acid, which is acidic and polar, at codon 257 of the RELB protein (p.Asn257Asp). This variant is present in population databases (rs199556208, gnomAD 0.02%). This variant has not been reported in the literature in individuals affected with RELB-related conditions. ClinVar contains an entry for this variant (Variation ID: 1475345). An algorithm developed to predict the effect of missense changes on protein structure and function (PolyPhen-2) suggests that this variant is likely to be disruptive. In summary, the available evidence is currently insufficient to determine the role of this variant in disease. Therefore, it has been classified as a Variant of Uncertain Significance.